The following is an entry in ClinVar:

ClinVar aggregate classification (germline): Benign/Likely benign. Review status: criteria provided, multiple submitters, no conflicts (2 of 4 stars). 6 submissions from 3 submitters: Benign (4); Likely benign (2). Last evaluated 2021-05-15.

Conditions:
Pheochromocytoma. Also called: MAX-Related Hereditary Paraganglioma-Pheochromocytoma Syndrome. Identifiers: Orphanet 29072, MedGen C0031511, MONDO:0008233, OMIM 171300, HP:0002666.
Multiple endocrine neoplasia. Identifiers: Orphanet 276161, MedGen C0027662, MONDO:0017169.
Renal hypodysplasia/aplasia 1 (RHDA1). Also called: RENAL APLASIA; HEREDITARY RENAL APLASIA. Identifiers: Orphanet 411709, MedGen C1619700, MONDO:0024519, OMIM 191830.
Hirschsprung disease, susceptibility to, 1 (HSCR1). Also called: RET-Related Hirschsprung Disease. Identifiers: Orphanet 388, MedGen C3888239, MONDO:0007723, OMIM 142623.

Allele frequency attached by ClinVar (database versions not stated): 1000 Genomes Project 0.03534; 1000 Genomes Project 30x 0.03545; gnomAD 0.03751 and 0.03834; TOPMed 0.03772; gnomAD exomes 0.04422.
gnomAD v4.1: 16,798 of 396,966 alleles (4.2%); highest among the groups gnomAD compares: South Asian, 8.8%; 459 homozygotes.

Submissions (6):

GeneDx
Classification: Likely benign. Last evaluated: 2021-05-15. Review status: criteria provided, single submitter. Criteria: GeneDx Variant Classification Process June 2021. Collection method: clinical testing. Allele origin: germline. Affected: yes.

Illumina Laboratory Services, Illumina
Classification: Benign for Pheochromocytoma. Last evaluated: 2018-01-13. Review status: criteria provided, single submitter. Criteria: ICSL Variant Classification Criteria 13 December 2019. Collection method: clinical testing. Allele origin: germline.
Comment: This variant was observed in the ICSL laboratory as part of a predisposition screen in an ostensibly healthy population. It had not been previously curated by ICSL or reported in the Human Gene Mutation Database (HGMD: prior to June 1st, 2018), and was therefore a candidate for classification through an automated scoring system. Utilizing variant allele frequency, disease prevalence and penetrance estimates, and inheritance mode, an automated score was calculated to assess if this variant is too frequent to cause the disease. Based on the score and internal cut-off values, a variant classified as benign is not then subjected to further curation. The score for this variant resulted in a classification of benign for this disease.

Illumina Laboratory Services, Illumina
Classification: Benign for Hirschsprung disease, susceptibility to, 1. Last evaluated: 2018-01-13. Review status: criteria provided, single submitter. Criteria: ICSL Variant Classification Criteria 13 December 2019. Collection method: clinical testing. Allele origin: germline.
Comment: the same text as in the submission from Illumina Laboratory Services, Illumina above.

Illumina Laboratory Services, Illumina
Classification: Benign for Multiple endocrine neoplasia. Last evaluated: 2018-01-13. Review status: criteria provided, single submitter. Criteria: ICSL Variant Classification Criteria 13 December 2019. Collection method: clinical testing. Allele origin: germline.
Comment: the same text as in the submission from Illumina Laboratory Services, Illumina above.

Illumina Laboratory Services, Illumina
Classification: Benign for Renal hypodysplasia/aplasia 1. Last evaluated: 2018-01-13. Review status: criteria provided, single submitter. Criteria: ICSL Variant Classification Criteria 13 December 2019. Collection method: clinical testing. Allele origin: germline.
Comment: the same text as in the submission from Illumina Laboratory Services, Illumina above.

Breakthrough Genomics
Classification: Likely benign. Review status: criteria provided, single submitter. Criteria: ACMG Guidelines, 2015. Collection method: not provided. Allele origin: germline. Inheritance: Autosomal dominant inheritance. Affected: yes.

NM_020975.6(RET):c.*1591G>A

Gene: RET (ret proto-oncogene; plus strand). Cytogenetic location: 10q11.21.
Variant type: single nucleotide variant.
Coding change: c.*1591G>A on transcript NM_020975.6 (MANE Select); 1591 bases downstream of the stop codon, G replaced by A.
Molecular consequence: 3 prime UTR variant.
Genome position (GRCh38, 1-based): chr10:43,129,860, G>A. VCF-style: chr10-43129860-G-A. GRCh37 (hg19) VCF-style: chr10-43625308-G-A.
Other names: c.*1591G>A (LRG_518t1).
Identifiers: ClinVar variation 299937 (VCV000299937.8), dbSNP rs76759170, ClinGen allele CA10635354.